The following is an entry in ClinVar:

NM_004104.5(FASN):c.5462G>A (p.Gly1821Glu)

Gene: FASN (fatty acid synthase; minus strand). Cytogenetic location: 17q25.3.
Variant type: single nucleotide variant.
Coding change: c.5462G>A on transcript NM_004104.5 (MANE Select); coding-DNA position 5462, G replaced by A.
Protein change: p.Gly1821Glu; replaces glycine 1821 with glutamic acid.
Molecular consequence: missense variant.
Genome position (GRCh38, 1-based): chr17:82,083,305, C>T on the plus strand (G>A on the coding strand, the complement: FASN is on the minus strand). VCF-style: chr17-82083305-C-T. GRCh37 (hg19) VCF-style: chr17-80041181-C-T.
Other names: short protein forms G1821E.
Identifiers: ClinVar variation 836806 (VCV000836806.10), dbSNP rs1046192365, ClinGen allele CA295127322.
Genomic context (GRCh38, chr17:82,083,305, plus strand): 5'-CGGAAGGCGTCCTCCACCTGGGCCCCATGGAACACCGTGCACTTGAGGGGCCGTACCACC[C>T]CATCCCGGATGCCGGCCTGCACAAGCGCCCACACCTCCCGCCAGTCAGCACTGCTCTCGT-3'
Protein context (NP_004095.4, residues 1811-1831): WALVQAGIRD[Gly1821Glu]VVRPLKCTVF

ClinVar aggregate classification (germline): Uncertain significance (1 of 4 stars; one submission).

Conditions:
Epileptic encephalopathy. Identifiers: MedGen C0543888, HP:0200134.

Allele frequency attached by ClinVar (database versions not stated): gnomAD exomes below 0.00001; gnomAD 0.00001; TOPMed 0.00002.
gnomAD v4.1: 3 of 1,612,674 alleles (0.00019%); highest among the groups gnomAD compares: African/African-American, 0.0027%; no homozygotes.

Submission:

Labcorp Genetics (formerly Invitae), Labcorp
Classification: Uncertain significance for Epileptic encephalopathy. Last evaluated: 2019-12-15. Review status: criteria provided, single submitter. Criteria: Invitae Variant Classification Sherloc (09022015). Collection method: clinical testing. Allele origin: germline.
Comment: In summary, the available evidence is currently insufficient to determine the role of this variant in disease. Therefore, it has been classified as a Variant of Uncertain Significance. Algorithms developed to predict the effect of missense changes on protein structure and function are either unavailable or do not agree on the potential impact of this missense change (SIFT: "Deleterious"; PolyPhen-2: "Probably Damaging"; Align-GVGD: "Class C0"). This variant has not been reported in the literature in individuals with FASN-related conditions. This variant is not present in population databases (ExAC no frequency). This sequence change replaces glycine with glutamic acid at codon 1821 of the FASN protein (p.Gly1821Glu). The glycine residue is highly conserved and there is a moderate physicochemical difference between glycine and glutamic acid.